The following is an entry in ClinVar:

NM_004336.5(BUB1):c.499G>A (p.Val167Ile)

Gene: BUB1 (BUB1 mitotic checkpoint serine/threonine kinase; minus strand). Cytogenetic location: 2q13.
Variant type: single nucleotide variant.
Coding change: c.499G>A on transcript NM_004336.5 (MANE Select); coding-DNA position 499, G replaced by A.
Protein change: p.Val167Ile; replaces valine 167 with isoleucine.
Molecular consequence: missense variant.
Genome position (GRCh38, 1-based): chr2:110,669,521, C>T on the plus strand (G>A on the coding strand, the complement: BUB1 is on the minus strand). VCF-style: chr2-110669521-C-T. GRCh37 (hg19) VCF-style: chr2-111427098-C-T.
Other names: c.439G>A, p.Val147Ile (NM_001278616.2); c.499G>A, p.Val167Ile (NM_001278617.2); short protein forms V147I, V167I.
Identifiers: ClinVar variation 2464693 (VCV002464693.4), dbSNP rs772759859, ClinGen allele CA1828332.

ClinVar aggregate classification (germline): Conflicting classifications of pathogenicity. Review status: criteria provided, conflicting classifications (1 of 4 stars). 3 submissions from 3 submitters: Uncertain significance (1); Likely benign (2). Last evaluated 2025-08-19.

Allele frequency attached by ClinVar (database versions not stated): gnomAD 0.00003; TOPMed 0.00005.
gnomAD v4.1: 79 of 1,609,188 alleles (0.0049%); highest among the groups gnomAD compares: Admixed American, 0.04%; no homozygotes.

Submissions (3):

Labcorp Genetics (formerly Invitae), Labcorp
Classification: Uncertain significance. Last evaluated: 2025-08-19. Review status: criteria provided, single submitter. Criteria: Invitae Variant Classification Sherloc (09022015). Collection method: clinical testing. Allele origin: germline.
Comment: This sequence change replaces valine, which is neutral and non-polar, with isoleucine, which is neutral and non-polar, at codon 167 of the BUB1 protein (p.Val167Ile). This variant is present in population databases (rs772759859, gnomAD 0.05%). This variant has not been reported in the literature in individuals affected with BUB1-related conditions. ClinVar contains an entry for this variant (Variation ID: 2464693). Experimental studies and prediction algorithms are not available or were not evaluated, and the functional significance of this variant is currently unknown. In summary, the available evidence is currently insufficient to determine the role of this variant in disease. Therefore, it has been classified as a Variant of Uncertain Significance.

Ambry Genetics
Classification: Likely benign. Last evaluated: 2022-12-23. Review status: criteria provided, single submitter. Criteria: Ambry Variant Classification Scheme 2023. Collection method: clinical testing. Allele origin: germline.

Breakthrough Genomics
Classification: Likely benign. Review status: criteria provided, single submitter. Criteria: ACMG Guidelines, 2015. Collection method: not provided. Allele origin: germline. Inheritance: Autosomal dominant inheritance. Affected: yes.